The following is an entry in ClinVar:

NM_001378743.1(CYLD):c.2516C>G (p.Ser839Ter)

Genes: CYLD (CYLD lysine 63 deubiquitinase; plus strand), CYLD-AS2 (CYLD antisense RNA 2; minus strand). Cytogenetic location: 16q12.1.
Variant type: single nucleotide variant.
Coding change: c.2516C>G on transcript NM_001378743.1 (MANE Select); coding-DNA position 2516, C replaced by G.
Protein change: p.Ser839Ter; replaces serine 839 with a stop codon.
Molecular consequence: nonsense. On other transcripts: non-coding transcript variant (1).
Genome position (GRCh38, 1-based): chr16:50,794,258, C>G. VCF-style: chr16-50794258-C-G. GRCh37 (hg19) VCF-style: chr16-50828169-C-G.
Other names: c.2507C>G, p.Ser836Ter (NM_001042355.2, NM_001042412.3, NM_001378744.1 and 6 more transcripts); c.2477C>G, p.Ser826Ter (NM_001378751.1, NM_001378752.1, NM_001378753.1); c.1841C>G, p.Ser614Ter (NM_001378754.1, NM_001378755.1); c.2516C>G, p.Ser839Ter (NM_015247.3); short protein forms S614*, S836*, S839*, S826*.
Identifiers: ClinVar variation 3657026 (VCV003657026.3).

ClinVar aggregate classification (germline): Pathogenic/Likely pathogenic. Review status: criteria provided, multiple submitters, no conflicts (2 of 4 stars). 2 submissions from 2 submitters: Pathogenic (1); Likely pathogenic (1). Last evaluated 2024-06-19.

Conditions:
CYLD-related disorder. Also called: CYLD-related condition.

Submissions (2):

Labcorp Genetics (formerly Invitae), Labcorp
Classification: Pathogenic. Last evaluated: 2024-06-19. Review status: criteria provided, single submitter. Criteria: Invitae Variant Classification Sherloc (09022015). Collection method: clinical testing. Allele origin: germline.
Comment: This sequence change creates a premature translational stop signal (p.Ser839*) in the CYLD gene. It is expected to result in an absent or disrupted protein product. Loss-of-function variants in CYLD are known to be pathogenic (PMID: 19462465). This variant is not present in population databases (gnomAD no frequency). This variant has not been reported in the literature in individuals affected with CYLD-related conditions. For these reasons, this variant has been classified as Pathogenic.

Blueprint Genetics
Classification: Likely pathogenic for CYLD-related disorders. Last evaluated: 2020-11-05. Review status: criteria provided, single submitter. Criteria: ACMG Guidelines, 2015. Collection method: clinical testing. Allele origin: germline. Affected: yes. Observed: 1 variant allele.

Literature cited by the submitters: PubMed 19462465 (cited by Labcorp Genetics (formerly Invitae), Labcorp).